The following is an entry in ClinVar:

NM_006306.4(SMC1A):c.3082A>G (p.Met1028Val)

Gene: SMC1A (structural maintenance of chromosomes 1A; minus strand). Cytogenetic location: Xp11.22.
Variant type: single nucleotide variant.
Coding change: c.3082A>G on transcript NM_006306.4 (MANE Select); coding-DNA position 3082, A replaced by G.
Protein change: p.Met1028Val; replaces methionine 1028 with valine.
Molecular consequence: missense variant.
Genome position (GRCh38, 1-based): chrX:53,383,145, T>C on the plus strand (A>G on the coding strand, the complement: SMC1A is on the minus strand). VCF-style: chrX-53383145-T-C. GRCh37 (hg19) VCF-style: chrX-53410066-T-C.
Other names: c.3016A>G, p.Met1006Val (NM_001281463.1); short protein forms M1028V, M1006V.
Identifiers: ClinVar variation 4701038 (VCV004701038.1).
Genomic context (GRCh38, chrX:53,383,145, plus strand): 5'-GGTAAATCTTACCATCTGAGGTCTCCTGGAACTTGTCTCGGACACTTTCCAGCTTTTCCA[T>C]GGCCTTCATGTTGGGGGCGGCAATACGCTGAAGCACACTCTGCTGCTCATTCAGCTTCTG-3'
Protein context (NP_006297.2, residues 1018-1038): QRIAAPNMKA[Met1028Val]EKLESVRDKF

ClinVar aggregate classification (germline): Uncertain significance (1 of 4 stars; one submission).

Conditions:
Congenital muscular hypertrophy-cerebral syndrome (CDLS2). Also called: Cornelia de Lange syndrome 2; SMC1A-Related Cornelia de Lange Syndrome. Identifiers: Orphanet 199, MedGen C1802395, MONDO:0010370, OMIM 300590.

Submission:

Labcorp Genetics (formerly Invitae), Labcorp
Classification: Uncertain significance for Congenital muscular hypertrophy-cerebral syndrome. Last evaluated: 2025-04-08. Review status: criteria provided, single submitter. Criteria: Invitae Variant Classification Sherloc (09022015). Collection method: clinical testing. Allele origin: germline.
Comment: This sequence change replaces methionine, which is neutral and non-polar, with valine, which is neutral and non-polar, at codon 1028 of the SMC1A protein (p.Met1028Val). This variant is not present in population databases (gnomAD no frequency). This variant has not been reported in the literature in individuals affected with SMC1A-related conditions. Invitae Evidence Modeling of protein sequence and biophysical properties (such as structural, functional, and spatial information, amino acid conservation, physicochemical variation, residue mobility, and thermodynamic stability) indicates that this missense variant is not expected to disrupt SMC1A protein function with a negative predictive value of 80%. In summary, the available evidence is currently insufficient to determine the role of this variant in disease. Therefore, it has been classified as a Variant of Uncertain Significance.